The following is an entry in ClinVar:

ClinVar aggregate classification (germline): Likely pathogenic (1 of 4 stars; one submission).

Conditions:
Heterotopia, periventricular, X-linked dominant (PVNH1). Also called: PERIVENTRICULAR NODULAR HETEROTOPIA 1; X-linked periventricular heterotopia; PERIVENTRICULAR NODULAR HETEROTOPIA 4; HETEROTOPIA, PERIVENTRICULAR, 1. Identifiers: Orphanet 2149, Orphanet 82004, MedGen C1848213, MONDO:0010233, OMIM 300049.
Oto-palato-digital syndrome, type II (OPD2). Also called: OPD II SYNDROME; FACIOPALATOOSSEOUS SYNDROME; Otopalatodigital Syndrome Type 2 (FLNA-OPD2); Otopalatodigital Syndrome, Type II. Identifiers: Orphanet 669, Orphanet 90652, MedGen C1844696, MONDO:0010571, OMIM 304120.
Frontometaphyseal dysplasia (FMD1). Identifiers: Orphanet 1826, MedGen C0265293, MONDO:0015942.
Melnick-Needles syndrome (MNS). Also called: MELNICK-NEEDLES OSTEODYSPLASTY; OSTEODYSPLASTY OF MELNICK AND NEEDLES; Melnick-Needles Syndrome (FLNA-MNS). Identifiers: Orphanet 2484, MedGen C0025237, MONDO:0010650, OMIM 309350.

Submission:

Labcorp Genetics (formerly Invitae), Labcorp
Classification: Likely pathogenic for Oto-palato-digital syndrome, type II; Heterotopia, periventricular, X-linked dominant; Frontometaphyseal dysplasia; Melnick-Needles syndrome. Last evaluated: 2019-01-26. Review status: criteria provided, single submitter. Criteria: Invitae Variant Classification Sherloc (09022015). Collection method: clinical testing. Allele origin: germline.
Comment: In summary, the currently available evidence indicates that the variant is pathogenic, but additional data are needed to prove that conclusively. Therefore, this variant has been classified as Likely Pathogenic. Donor and acceptor splice site variants typically lead to a loss of protein function (PMID: 16199547), and loss-of-function variants in FLNA are known to be pathogenic (PMID: 16684786, 20730588, 26471271). Algorithms developed to predict the effect of sequence changes on RNA splicing suggest that this variant may disrupt the consensus splice site, but this prediction has not been confirmed by published transcriptional studies. Disruption of this splice site has been observed in individuals with clinical features of periventricular heterotopia (PMID: 26471271). This variant is not present in population databases (ExAC no frequency). This sequence change affects a donor splice site in intron 7 of the FLNA gene. It is expected to disrupt RNA splicing and likely results in an absent or disrupted protein product.

Literature cited by the submitters: PubMed 16199547; PubMed 16684786; PubMed 20730588; PubMed 26471271.

NM_001110556.2(FLNA):c.1065+1G>T

Gene: FLNA (filamin A; minus strand). Cytogenetic location: Xq28.
Variant type: single nucleotide variant.
Coding change: c.1065+1G>T on transcript NM_001110556.2 (MANE Select); the canonical splice donor site of the intron after coding-DNA position 1065, G replaced by T.
Molecular consequence: splice donor variant.
Genome position (GRCh38, 1-based): chrX:154,366,561, C>A on the plus strand (G>T on the coding strand, the complement: FLNA is on the minus strand). VCF-style: chrX-154366561-C-A. GRCh37 (hg19) VCF-style: chrX-153594929-C-A.
Other names: c.1065+1G>T (NM_001456.4).
Identifiers: ClinVar variation 841425 (VCV000841425.10), dbSNP rs2067762985, ClinGen allele CA415246936.